The following is an entry in ClinVar:

NM_012335.4(MYO1F):c.3065G>A (p.Arg1022His)

Gene: MYO1F (myosin IF; minus strand). Cytogenetic location: 19p13.2.
Variant type: single nucleotide variant.
Coding change: c.3065G>A on transcript NM_012335.4 (MANE Select); coding-DNA position 3065, G replaced by A.
Protein change: p.Arg1022His; replaces arginine 1022 with histidine.
Molecular consequence: missense variant.
Genome position (GRCh38, 1-based): chr19:8,522,532, C>T on the plus strand (G>A on the coding strand, the complement: MYO1F is on the minus strand). VCF-style: chr19-8522532-C-T. GRCh37 (hg19) VCF-style: chr19-8587416-C-T.
Other names: c.3053G>A, p.Arg1018His (NM_001348355.2); short protein forms R1022H, R1018H.
Identifiers: ClinVar variation 668255 (VCV000668255.2), dbSNP rs765257989, ClinGen allele CA9158675.
Genomic context (GRCh38, chr19:8,522,532, plus strand): 5'-TGTGTCCGAGGCTGGGGCTTGGGTCGGCCCACACCAGGCACTGGCCGTTGCCCCACGCTG[C>T]GCTTCCTCTGCATGCTGTGGGCACAGGGGGTTTGAGTCACAGCCCCAGACACTCCCCTAC-3'
Protein context (NP_036467.2, residues 1012-1032): DQGMAGMQRK[Arg1022His]SVGQRPVPGV

ClinVar aggregate classification (germline): Conflicting classifications of pathogenicity. Review status: criteria provided, conflicting classifications (1 of 4 stars). 2 submissions from 2 submitters: Uncertain significance (1); Likely benign (1). Last evaluated 2024-01-16.

Allele frequency attached by ClinVar (database versions not stated): ExAC 0.00001; gnomAD exomes 0.00001 and 0.00003; gnomAD 0.00002; TOPMed 0.00003.
gnomAD v4.1: 20 of 1,612,458 alleles (0.0012%); highest among the groups gnomAD compares: East Asian, 0.0045%; no homozygotes.

Submissions (2):

Ambry Genetics
Classification: Uncertain significance. Last evaluated: 2024-01-16. Review status: criteria provided, single submitter. Criteria: Ambry Variant Classification Scheme 2023. Collection method: clinical testing. Allele origin: germline.

GeneDx
Classification: Likely benign. Last evaluated: 2018-06-07. Review status: criteria provided, single submitter. Criteria: GeneDx Variant Classification (06012015). Collection method: clinical testing. Allele origin: germline. Affected: yes.
Comment: This variant is considered likely benign or benign based on one or more of the following criteria: it is a conservative change, it occurs at a poorly conserved position in the protein, it is predicted to be benign by multiple in silico algorithms, and/or has population frequency not consistent with disease.